The following is an entry in ClinVar:

ClinVar aggregate classification (germline): Uncertain significance. Review status: criteria provided, multiple submitters, no conflicts (2 of 4 stars). 2 submissions from 2 submitters: Uncertain significance (2). Last evaluated 2025-03-14.

Conditions:
Inborn genetic diseases. Identifiers: MedGen C0950123, MeSH D030342.

Allele frequency attached by ClinVar (database versions not stated): gnomAD exomes below 0.00001; TOPMed below 0.00001; gnomAD 0.00001.

Submissions (2):

Women's Health and Genetics/Laboratory Corporation of America, LabCorp
Classification: Uncertain significance. Last evaluated: 2025-03-14. Review status: criteria provided, single submitter. Criteria: LabCorp Variant Classification Summary - May 2015. Collection method: clinical testing. Allele origin: germline.
Comment: Variant summary: SRRM2 c.4649G>T (p.Ser1550Ile) results in a non-conservative amino acid change in the encoded protein sequence. Three of five in-silico tools predict a benign effect of the variant on protein function. The variant allele was found at a frequency of 4e-06 in 251430 control chromosomes. The available data on variant occurrences in the general population are insufficient to allow any conclusion about variant significance. To our knowledge, no occurrence of c.4649G>T in individuals affected with Intellectual Developmental Disorder, Autosomal Dominant 72 and no experimental evidence demonstrating its impact on protein function have been reported. ClinVar contains an entry for this variant (Variation ID: 2378782). Based on the evidence outlined above, the variant was classified as uncertain significance.

Ambry Genetics
Classification: Uncertain significance for Inborn genetic diseases. Last evaluated: 2022-06-09. Review status: criteria provided, single submitter. Criteria: Ambry Variant Classification Scheme 2023. Collection method: clinical testing. Allele origin: germline.

NM_016333.4(SRRM2):c.4649G>T (p.Ser1550Ile)

Gene: SRRM2 (serine/arginine repetitive matrix 2; plus strand). Cytogenetic location: 16p13.3.
Variant type: single nucleotide variant.
Coding change: c.4649G>T on transcript NM_016333.4 (MANE Select); coding-DNA position 4649, G replaced by T.
Protein change: p.Ser1550Ile; replaces serine 1550 with isoleucine.
Molecular consequence: missense variant.
Genome position (GRCh38, 1-based): chr16:2,765,177, G>T. VCF-style: chr16-2765177-G-T. GRCh37 (hg19) VCF-style: chr16-2815178-G-T.
Other names: short protein forms S1550I.
Identifiers: ClinVar variation 2378782 (VCV002378782.3), dbSNP rs748839578, ClinGen allele CA7848248.